The following is an entry in ClinVar:

NC_000017.11:g.(?_31181408)_(31183454_?)del

Gene: NF1 (neurofibromin 1; plus strand). Cytogenetic location: 17q11.2.
Variant type: Deletion.
Identifiers: ClinVar variation 830815 (VCV000830815.1).

ClinVar aggregate classification (germline): Pathogenic (1 of 4 stars; one submission).

Conditions:
Neurofibromatosis, type 1 (NF1). Also called: Neurofibromatosis, type I; Peripheral type neurofibromatosis; VON RECKLINGHAUSEN DISEASE; NEUROFIBROMATOSIS, TYPE I, SOMATIC. Identifiers: Orphanet 636, MedGen C0027831, MONDO:0018975, OMIM 162200. Disease mechanism: loss of function.

Submission:

Labcorp Genetics (formerly Invitae), Labcorp
Classification: Pathogenic for Neurofibromatosis, type 1. Last evaluated: 2019-07-29. Review status: criteria provided, single submitter. Criteria: Invitae Variant Classification Sherloc (09022015). Collection method: clinical testing. Allele origin: germline.
Comment: This variant is an out-of-frame deletion of the genomic region encompassing exons 6-8 of the NF1 gene. This creates a premature translational stop signal and is expected to result in an absent or disrupted protein product. Deletion of exons 6-8 has been reported in the literature in an individual affected with neurofibromatosis type 1 (PMID: 26189818). Loss-of-function variants in NF1 are known to be pathogenic (PMID: 10712197, 23913538). For these reasons, this variant has been classified as Pathogenic.

Literature cited by the submitters: PubMed 26189818.